The following is an entry in ClinVar:

ClinVar aggregate classification (germline): Benign/Likely benign. Review status: criteria provided, multiple submitters, no conflicts (2 of 4 stars). 9 submissions from 9 submitters: Benign (1); Likely benign (6). 2 of the submissions do not count toward it. Last evaluated 2026-03-01.

Conditions:
SLC29A3-related disorder. Also called: SLC29A3-related condition.
H syndrome. Also called: Histiocytosis with joint contractures and sensorineural deafness; HISTIOCYTOSIS AND LYMPHADENOPATHY WITH OR WITHOUT CUTANEOUS, CARDIAC, AND/OR ENDOCRINE FEATURES, JOINT CONTRACTURES, AND/OR DEAFNESS; HYPERPIGMENTATION, CUTANEOUS, WITH HYPERTRICHOSIS, HEPATOSPLENOMEGALY, HEART ANOMALIES, AND HYPOGONADISM WITH OR WITHOUT HEARING LOSS; PIGMENTED HYPERTRICHOSIS WITH INSULIN-DEPENDENT DIABETES MELLITUS; ROSAI-DORFMAN DISEASE, FAMILIAL; SINUS HISTIOCYTOSIS AND MASSIVE LYMPHADENOPATHY. Identifiers: Orphanet 168569, MedGen C1864445, MONDO:0011273, OMIM 602782.

Allele frequency attached by ClinVar (database versions not stated): gnomAD exomes 0.00060; ExAC 0.00073; 1000 Genomes Project 30x 0.00156; 1000 Genomes Project 0.00160; gnomAD 0.00234 and 0.00255; ESP Exome Variant Server 0.00254; TOPMed 0.00272.
gnomAD v4.1: 784 of 1,614,100 alleles (0.049%); highest among the groups gnomAD compares: African/African-American, 0.75%; 3 homozygotes.

Submissions (9):

CeGaT Center for Human Genetics Tuebingen
Classification: Likely benign. Last evaluated: 2026-03-01. Review status: criteria provided, single submitter. Criteria: CeGaT Center For Human Genetics Tuebingen Variant Classification Criteria Version 2. Collection method: clinical testing. Allele origin: germline. Affected: yes. Observed: 1 variant allele.
Comment: SLC29A3: BP4, BS1

Women's Health and Genetics/Laboratory Corporation of America, LabCorp
Classification: Likely benign. Last evaluated: 2026-02-12. Review status: criteria provided, single submitter. Criteria: LabCorp Variant Classification Summary - May 2015. Collection method: clinical testing. Allele origin: germline.
Comment: Variant summary: SLC29A3 c.1001A>G (p.Asn334Ser) results in a conservative amino acid change in the encoded protein sequence. Algorithms developed to predict the effect of missense changes on protein structure and function all suggest that this variant is likely to be tolerated. The variant allele was found at a frequency of 0.0006 in 251282 control chromosomes, predominantly at a frequency of 0.0073 within the African or African-American subpopulation in the gnomAD database, including 2 homozygotes. The observed variant frequency within African or African-American control individuals in the gnomAD database exceeds the estimated maximal expected allele frequency for disease-causing variants in SLC29A3. c.1001A>G has been observed in individual(s) affected with H Syndrome. These report(s) do not provide unequivocal conclusions about association of the variant with H Syndrome. To our knowledge, no experimental evidence demonstrating an impact on protein function has been reported. The following publication has been ascertained in the context of this evaluation (PMID: 36110220). ClinVar contains an entry for this variant (Variation ID: 300368). Based on the evidence outlined above, the variant was classified as likely benign.

Labcorp Genetics (formerly Invitae), Labcorp
Classification: Benign for H syndrome. Last evaluated: 2026-01-27. Review status: criteria provided, single submitter. Criteria: Invitae Variant Classification Sherloc (09022015). Collection method: clinical testing. Allele origin: germline.

Blueprint Genetics
Classification: Likely benign. Last evaluated: 2024-09-06. Review status: criteria provided, single submitter. Criteria: ACMG Guidelines, 2015. Collection method: clinical testing. Allele origin: germline.

Illumina Laboratory Services, Illumina
Classification: Likely benign for H syndrome. Last evaluated: 2018-01-12. Review status: criteria provided, single submitter. Criteria: ICSL Variant Classification Criteria 13 December 2019. Collection method: clinical testing. Allele origin: germline.
Comment: This variant was observed in the ICSL laboratory as part of a predisposition screen in an ostensibly healthy population. It had not been previously curated by ICSL or reported in the Human Gene Mutation Database (HGMD: prior to June 1st, 2018), and was therefore a candidate for classification through an automated scoring system. Utilizing variant allele frequency, disease prevalence and penetrance estimates, and inheritance mode, an automated score was calculated to assess if this variant is too frequent to cause the disease. Based on the score and internal cut-off values, a variant classified as likely benign is not then subjected to further curation. The score for this variant resulted in a classification of likely benign for this disease.

Genome Diagnostics Laboratory, University Medical Center Utrecht
Classification: Likely benign for H syndrome. Last evaluated: 2017-09-04. Review status: criteria provided, single submitter. Criteria: ACGS Guidelines, 2013. Collection method: clinical testing. Allele origin: germline. Affected: yes. Study: VKGL Data-share Consensus.

Clinical Genetics DNA and cytogenetics Diagnostics Lab, Erasmus MC, Erasmus Medical Center
Classification: Likely benign for H syndrome. Last evaluated: 2016-07-15. Review status: criteria provided, single submitter. Criteria: ACGS Guidelines, 2013. Collection method: clinical testing. Allele origin: germline. Affected: yes. Study: VKGL Data-share Consensus.

PreventionGenetics, part of Exact Sciences
Classification: Benign for SLC29A3-related condition. Last evaluated: 2020-08-18. Review status: no assertion criteria provided. Collection method: clinical testing. Allele origin: germline. Not counted in ClinVar's aggregate classification.
Comment: This variant is classified as benign based on ACMG/AMP sequence variant interpretation guidelines (Richards et al. 2015 PMID: 25741868, with internal and published modifications).

Laboratory of Diagnostic Genome Analysis, Leiden University Medical Center (LUMC)
Classification: Likely benign. Review status: no assertion criteria provided. Collection method: clinical testing. Allele origin: germline. Affected: yes. Study: VKGL Data-share Consensus. Not counted in ClinVar's aggregate classification.

Literature cited by the submitters: PubMed 36110220 (cited by Women's Health and Genetics/Laboratory Corporation of America, LabCorp).

NM_018344.6(SLC29A3):c.1001A>G (p.Asn334Ser)

Gene: SLC29A3 (solute carrier family 29 member 3; plus strand). Cytogenetic location: 10q22.1.
Variant type: single nucleotide variant.
Coding change: c.1001A>G on transcript NM_018344.6 (MANE Select); coding-DNA position 1001, A replaced by G.
Protein change: p.Asn334Ser; replaces asparagine 334 with serine.
Molecular consequence: missense variant. On other transcripts: 3 prime UTR variant (1), non-coding transcript variant (2).
Genome position (GRCh38, 1-based): chr10:71,362,181, A>G. VCF-style: chr10-71362181-A-G. GRCh37 (hg19) VCF-style: chr10-73121938-A-G.
Other names: c.*230A>G (NM_001174098.2); c.767A>G, p.Asn256Ser (NM_001363518.2); short protein forms N334S, N256S.
Identifiers: ClinVar variation 300368 (VCV000300368.25), dbSNP rs144665176, ClinGen allele CA5543107.